The following is an entry in ClinVar:

NM_020191.4(MRPS22):c.732+13T>G

Gene: MRPS22 (mitochondrial ribosomal protein S22; plus strand). Cytogenetic location: 3q23.
Variant type: single nucleotide variant.
Coding change: c.732+13T>G on transcript NM_020191.4 (MANE Select); 13 bases into the intron after coding-DNA position 732, T replaced by G.
Molecular consequence: intron variant.
Genome position (GRCh38, 1-based): chr3:139,351,073, T>G. VCF-style: chr3-139351073-T-G. GRCh37 (hg19) VCF-style: chr3-139069915-T-G.
Other names: c.729+13T>G (NM_001363893.1); c.609+13T>G (NM_001363857.1).
Identifiers: ClinVar variation 507688 (VCV000507688.1), dbSNP rs764694623, ClinGen allele CA2640793.

ClinVar aggregate classification (germline): Likely benign (1 of 4 stars; one submission).

Allele frequency attached by ClinVar (database versions not stated): gnomAD exomes 0.00002 and 0.00007; ExAC 0.00004; TOPMed 0.00006; gnomAD 0.00007 and 0.00008.
gnomAD v4.1: 116 of 1,601,014 alleles (0.0072%); highest among the groups gnomAD compares: Non-Finnish European, 0.0096%; no homozygotes.

Submission:

GeneDx
Classification: Likely benign. Last evaluated: 2017-03-07. Review status: criteria provided, single submitter. Criteria: GeneDx Variant Classification (06012015). Collection method: clinical testing. Allele origin: germline. Affected: yes.
Comment: This variant is considered likely benign or benign based on one or more of the following criteria: it is a conservative change, it occurs at a poorly conserved position in the protein, it is predicted to be benign by multiple in silico algorithms, and/or has population frequency not consistent with disease.